The following is an entry in ClinVar:

NM_015338.6(ASXL1):c.2309C>T (p.Ser770Leu)

Gene: ASXL1 (ASXL transcriptional regulator 1; plus strand). Cytogenetic location: 20q11.21.
Variant type: single nucleotide variant.
Coding change: c.2309C>T on transcript NM_015338.6 (MANE Select); coding-DNA position 2309, C replaced by T.
Protein change: p.Ser770Leu; replaces serine 770 with leucine.
Molecular consequence: missense variant.
Genome position (GRCh38, 1-based): chr20:32,435,021, C>T. VCF-style: chr20-32435021-C-T. GRCh37 (hg19) VCF-style: chr20-31022824-C-T.
Other names: c.2126C>T, p.Ser709Leu (NM_001363734.1); short protein forms S709L, S770L.
Identifiers: ClinVar variation 1805136 (VCV001805136.1), dbSNP rs776235263, ClinGen allele CA408559541.
Genomic context (GRCh38, chr20:32,435,021, plus strand): 5'-CCGTTGCTCCCACTGGGGACCAGCCATGCCAGGCCTTGCCCCTACTGTCCTCCCAAACCT[C>T]AGTAGCTGAGAGATTAGTGGAGCAGCCTCAGTTGCATCCGGATGTTAGAACTGAATGTGA-3'
Protein context (NP_056153.2, residues 760-780): QALPLLSSQT[Ser770Leu]VAERLVEQPQ

ClinVar aggregate classification (germline): Uncertain significance (1 of 4 stars; one submission).

Conditions:
Bohring-Opitz syndrome. Also called: C-LIKE SYNDROME; BOHRING SYNDROME; OPITZ TRIGONOCEPHALY-LIKE SYNDROME; ASXL1-Related Bohring-Opitz Syndrome. Identifiers: Orphanet 97297, MedGen C0796232, MONDO:0011510, OMIM 605039.

gnomAD v4.1: 3 of 1,614,184 alleles (0.00019%); highest among the groups gnomAD compares: African/African-American, 0.0013%; no homozygotes.

Submission:

Victorian Clinical Genetics Services, Murdoch Childrens Research Institute
Classification: Uncertain significance for Bohring-Opitz syndrome. Last evaluated: 2022-02-02. Review status: criteria provided, single submitter. Criteria: ACMG Guidelines, 2015. Collection method: clinical testing. Allele origin: germline. Inheritance: Autosomal dominant inheritance.
Comment: Based on the classification scheme VCGS_Germline_v1.3.4, this variant is classified as VUS-3C. Following criteria are met: 0102 - Loss of function is a known mechanism of disease in this gene and is associated with Bohring-Opitz syndrome (MIM#605039). (I) 0107 - This gene is associated with autosomal dominant disease. (I) 0200 - Variant is predicted to result in a missense amino acid change from serine to leucine. (I) 0251 - This variant is heterozygous. (I) 0301 - Variant is absent from gnomAD (both v2 and v3). (SP) 0504 - Same amino acid change has been observed in placental mammals. (SB) 0604 - Variant is not located in an established domain, motif, hotspot or informative constraint region. (I) 0705 - No comparable missense variants have previous evidence for pathogenicity. (I) 0807 - This variant has no previous evidence of pathogenicity. (I) 0905 - No published segregation evidence has been identified for this variant. (I) 1007 - No published functional evidence has been identified for this variant. (I) 1208 - Inheritance information for this variant is not currently available in this individual. (I) Legend: (SP) - Supporting pathogenic, (I) - Information, (SB) - Supporting benign